The following is an entry in ClinVar:

NM_000719.7(CACNA1C):c.3691C>T (p.Leu1231Phe)

Gene: CACNA1C (calcium voltage-gated channel subunit alpha1 C; plus strand). Cytogenetic location: 12p13.33.
Variant type: single nucleotide variant.
Coding change: c.3691C>T on transcript NM_000719.7 (MANE Select); coding-DNA position 3691, C replaced by T.
Protein change: p.Leu1231Phe; replaces leucine 1231 with phenylalanine.
Molecular consequence: missense variant.
Genome position (GRCh38, 1-based): chr12:2,610,673, C>T. VCF-style: chr12-2610673-C-T. GRCh37 (hg19) VCF-style: chr12-2719839-C-T.
Other names: c.3751C>T, p.Leu1251Phe (NM_001129827.2, NM_001129832.2, NM_199460.4); c.3691C>T, p.Leu1231Phe (NM_001129829.2, NM_001129830.3, NM_001129831.2 and 15 more transcripts); c.3682C>T, p.Leu1228Phe (NM_001129844.2); short protein forms L1228F, L1231F, L1251F.
Identifiers: ClinVar variation 1677933 (VCV001677933.2), dbSNP rs766971426, ClinGen allele CA6389281.

ClinVar aggregate classification (germline): Uncertain significance. Review status: criteria provided, multiple submitters, no conflicts (2 of 4 stars). 2 submissions from 2 submitters: Uncertain significance (2). Last evaluated 2025-08-16.

Conditions:
Long QT syndrome (LQTS). Identifiers: MedGen C0023976, MeSH D008133, MONDO:0002442. Disease mechanism: loss of function. Inheritance: Various modes of inheritance.

Allele frequency attached by ClinVar (database versions not stated): ExAC 0.00001; gnomAD exomes 0.00001.
gnomAD v4.1: 4 of 1,614,262 alleles (0.00025%); highest among the groups gnomAD compares: South Asian, 0.0044%; no homozygotes.

Submissions (2):

Labcorp Genetics (formerly Invitae), Labcorp
Classification: Uncertain significance for Long QT syndrome. Last evaluated: 2025-08-16. Review status: criteria provided, single submitter. Criteria: Invitae Variant Classification Sherloc (09022015). Collection method: clinical testing. Allele origin: germline.
Comment: This sequence change replaces leucine, which is neutral and non-polar, with phenylalanine, which is neutral and non-polar, at codon 1231 of the CACNA1C protein (p.Leu1231Phe). This variant is present in population databases (rs766971426, gnomAD 0.006%). This variant has not been reported in the literature in individuals affected with CACNA1C-related conditions. ClinVar contains an entry for this variant (Variation ID: 1677933). Invitae Evidence Modeling of protein sequence and biophysical properties (such as structural, functional, and spatial information, amino acid conservation, physicochemical variation, residue mobility, and thermodynamic stability) indicates that this missense variant is expected to disrupt CACNA1C protein function with a positive predictive value of 95%. In summary, the available evidence is currently insufficient to determine the role of this variant in disease. Therefore, it has been classified as a Variant of Uncertain Significance.

AiLife Diagnostics
Classification: Uncertain significance. Last evaluated: 2022-02-16. Review status: criteria provided, single submitter. Criteria: ACMG Guidelines, 2015. Collection method: clinical testing. Allele origin: germline. Affected: yes. Observed: 1 variant allele.